The following is an entry in ClinVar:

NM_003024.3(ITSN1):c.69G>A (p.Ala23=)

Gene: ITSN1 (intersectin 1; plus strand). Cytogenetic location: 21q22.11.
Variant type: single nucleotide variant.
Coding change: c.69G>A on transcript NM_003024.3 (MANE Select); coding-DNA position 69, G replaced by A.
Protein change: p.Ala23=; no amino-acid change (alanine 23 retained).
Molecular consequence: synonymous variant.
Genome position (GRCh38, 1-based): chr21:33,721,218, G>A. VCF-style: chr21-33721218-G-A. GRCh37 (hg19) VCF-style: chr21-35093523-G-A.
Other names: c.69G>A, p.Ala23= (NM_001001132.2, NM_001331008.2, NM_001331009.2 and 3 more transcripts); c.69G>A (NM_003024.2).
Identifiers: ClinVar variation 2652630 (VCV002652630.25), dbSNP rs13047880, ClinGen allele CA10011161.
Genomic context (GRCh38, chr21:33,721,218, plus strand): 5'-GTCTTTTCTTTGGATTTTAGGCAGCCTGGATATCTGGGCCATAACTGTAGAGGAAAGAGC[G>A]AAGCATGATCAGCAGTTCCATAGTTTAAAGCCAATATCTGGATTCATTACTGGTAATCAC-3'
Protein context (NP_003015.2, residues 13-33): DIWAITVEER[Ala23=]KHDQQFHSLK

ClinVar aggregate classification (germline): Benign. Review status: criteria provided, single submitter (1 of 4 stars). 2 submissions from 2 submitters: Benign (1). 1 of the submissions does not count toward it. Last evaluated 2026-04-01.

Conditions:
ITSN1-related disorder. Also called: ITSN1-related condition.

Allele frequency attached by ClinVar (database versions not stated): 1000 Genomes Project 0.00359; 1000 Genomes Project 30x 0.00375; gnomAD 0.00411; TOPMed 0.00461; ESP Exome Variant Server 0.00546.
gnomAD v4.1: 9,269 of 1,613,382 alleles (0.57%); highest among the groups gnomAD compares: Non-Finnish European, 0.7%; 39 homozygotes.

Submissions (2):

CeGaT Center for Human Genetics Tuebingen
Classification: Benign. Last evaluated: 2026-04-01. Review status: criteria provided, single submitter. Criteria: CeGaT Center For Human Genetics Tuebingen Variant Classification Criteria Version 2. Collection method: clinical testing. Allele origin: germline. Affected: yes. Observed: 7 variant alleles.
Comment: ITSN1: BP4, BP7, BS1, BS2

PreventionGenetics, part of Exact Sciences
Classification: Likely benign for ITSN1-related condition. Last evaluated: 2019-04-15. Review status: no assertion criteria provided. Collection method: clinical testing. Allele origin: germline. Not counted in ClinVar's aggregate classification.
Comment: This variant is classified as likely benign based on ACMG/AMP sequence variant interpretation guidelines (Richards et al. 2015 PMID: 25741868, with internal and published modifications).